The following is an entry in ClinVar:

NM_014915.3(ANKRD26):c.-119C>G

Gene: ANKRD26 (ankyrin repeat domain 26; minus strand). Cytogenetic location: 10p12.1.
Variant type: single nucleotide variant.
Coding change: c.-119C>G on transcript NM_014915.3 (MANE Select); 119 bases upstream of the start codon, C replaced by G.
Molecular consequence: 5 prime UTR variant.
Genome position (GRCh38, 1-based): chr10:27,100,445, G>C on the plus strand (C>G on the coding strand, the complement: ANKRD26 is on the minus strand). VCF-style: chr10-27100445-G-C. GRCh37 (hg19) VCF-style: chr10-27389374-G-C.
Other names: p.?; c.-119C>G (NM_001256053.2).
Identifiers: ClinVar variation 434210 (VCV000434210.17), dbSNP rs1554800065, ClinGen allele CA645372497.

ClinVar aggregate classification (germline): Conflicting classifications of pathogenicity. Review status: criteria provided, conflicting classifications (1 of 4 stars). 6 submissions from 6 submitters: Likely pathogenic (3); Uncertain significance (2). 1 of the submissions does not count toward it. Last evaluated 2025-04-04.

Conditions:
Thrombocytopenia. Identifiers: MedGen C0040034, MeSH D013921, MONDO:0002049, HP:0001873.
Thrombocytopenia 2 (THC2). Also called: ANKRD26-Related Thrombocytopenia. Identifiers: Orphanet 268322, MedGen C1861185, MONDO:0008555, OMIM 188000.

Submissions (6):

Labcorp Genetics (formerly Invitae), Labcorp
Classification: Uncertain significance. Last evaluated: 2025-04-04. Review status: criteria provided, single submitter. Criteria: Invitae Variant Classification Sherloc (09022015). Collection method: clinical testing. Allele origin: germline.
Comment: This variant occurs in a non-coding region of the ANKRD26 gene. It does not change the encoded amino acid sequence of the ANKRD26 protein. This variant is not present in population databases (gnomAD no frequency). This variant has been observed in individual(s) with ANKRD26-related conditions (PMID: 28104920, 28669401, 32581362). ClinVar contains an entry for this variant (Variation ID: 434210). In summary, the available evidence is currently insufficient to determine the role of this variant in disease. Therefore, it has been classified as a Variant of Uncertain Significance.

GeneDx
Classification: Likely pathogenic. Last evaluated: 2025-01-24. Review status: criteria provided, single submitter. Criteria: GeneDx Variant Classification Process June 2021. Collection method: clinical testing. Allele origin: germline. Affected: yes.
Comment: Located in the 5' untranslated region where the vast majority of pathogenic variants occur (PMID: 21211618, 35587581); No data available from control populations to assess the frequency of this variant; This variant is associated with the following publications: (PMID: 28669401, 28104920, Wahlster2024[Abstract], 32351539, 35537115, 31309983, 32581362)

Mayo Clinic Laboratories, Mayo Clinic
Classification: Likely pathogenic. Last evaluated: 2025-01-13. Review status: criteria provided, single submitter. Criteria: ACMG Guidelines, 2015. Collection method: clinical testing. Allele origin: germline. Observed: 1 variant allele.
Comment: PM1, PM2_supporting, PM5, PS4_moderate

Women's Health and Genetics/Laboratory Corporation of America, LabCorp
Classification: Uncertain significance. Last evaluated: 2024-07-22. Review status: criteria provided, single submitter. Criteria: LabCorp Variant Classification Summary - May 2015. Collection method: clinical testing. Allele origin: germline.
Comment: Variant summary: ANKRD26 c.-119C>G is located in the untranslated mRNA region upstream of the initiation codon. The variant was absent in 31370 control chromosomes (gnomAD). The available data on variant occurrences in the general population are insufficient to allow any conclusion about variant significance. c.-119C>G has been reported in the literature in an individual who underwent Myelodysplastic syndrome (MDS) and acute leukemia (AL) panel testing (example: Guidugli_2017) and authors classified the variant as pathogenic or likely pathogenic. However, this report does not provide unequivocal conclusions about association of the variant with Thrombocytopenia 2. To our knowledge, no experimental evidence demonstrating an impact on protein function has been reported. The following publications have been ascertained in the context of this evaluation (PMID: 28669401, 28104920, 32581362). ClinVar contains an entry for this variant (Variation ID: 434210). Based on the evidence outlined above, the variant was classified as uncertain significance.

Genetic Services Laboratory, University of Chicago
Classification: Likely pathogenic for Thrombocytopenia 2. Last evaluated: 2015-11-02. Review status: criteria provided, single submitter. Criteria: ACMG Guidelines, 2015. Collection method: clinical testing. Allele origin: germline. Affected: yes.

NIHR Bioresource Rare Diseases, University of Cambridge
Classification: Likely pathogenic for Thrombocytopenia. Review status: no assertion criteria provided. Collection method: research. Allele origin: unknown. Affected: yes. Observed: 1 variant allele. Not counted in ClinVar's aggregate classification.

Literature cited by the submitters: PubMed 28104920 (cited by 3 submitters); PubMed 28669401 (cited by 3 submitters); PubMed 32581362 (cited by 4 submitters); PubMed 31309983 (cited by Mayo Clinic Laboratories, Mayo Clinic); PubMed 35537115 (cited by Mayo Clinic Laboratories, Mayo Clinic); PubMed 35587581 (cited by Mayo Clinic Laboratories, Mayo Clinic); PubMed 35751752 (cited by Mayo Clinic Laboratories, Mayo Clinic).